The following is an entry in ClinVar:

NM_001374828.1(ARID1B):c.4957C>T (p.Gln1653Ter)

Gene: ARID1B (AT-rich interaction domain 1B; plus strand). Cytogenetic location: 6q25.3.
Variant type: single nucleotide variant.
Coding change: c.4957C>T on transcript NM_001374828.1 (MANE Select); coding-DNA position 4957, C replaced by T.
Protein change: p.Gln1653Ter; replaces glutamine 1653 with a stop codon.
Molecular consequence: nonsense.
Genome position (GRCh38, 1-based): chr6:157,201,182, C>T. VCF-style: chr6-157201182-C-T. GRCh37 (hg19) VCF-style: chr6-157522316-C-T.
Other names: c.4708C>T, p.Gln1570Ter (NM_001346813.1); c.2458C>T, p.Gln820Ter (NM_001363725.2); c.4837C>T, p.Gln1613Ter (NM_001371656.1, NM_001374820.1); c.4798C>T, p.Gln1600Ter (NM_017519.3); c.4588C>T, p.Gln1530Ter (NM_020732.3); c.4375C>T, p.Gln1459Ter (NM_175863.2); short protein forms Q1530*, Q1653*, Q820*, Q1570*, Q1600*, Q1613*, Q1459*.
Identifiers: ClinVar variation 2113944 (VCV002113944.5), dbSNP rs2128375131, ClinGen allele CA366242188.

ClinVar aggregate classification (germline): Pathogenic/Likely pathogenic. Review status: criteria provided, multiple submitters, no conflicts (2 of 4 stars). 2 submissions from 2 submitters: Pathogenic (1); Likely pathogenic (1). Last evaluated 2023-10-27.

Conditions:
Coffin-Siris syndrome 1 (CSS1). Also called: ARID1B-Related Coffin-Siris Syndrome; Mental retardation, autosomal dominant 12. Identifiers: Orphanet 1465, MedGen C3281201, MONDO:0007617, OMIM 135900. Disease mechanism: gain of function.

Submissions (2):

Laboratorio de Genetica e Diagnostico Molecular, Hospital Israelita Albert Einstein
Classification: Likely pathogenic for Coffin-Siris syndrome 1. Last evaluated: 2023-10-27. Review status: criteria provided, single submitter. Criteria: ACMG Guidelines, 2015. Collection method: clinical testing. Allele origin: germline. Affected: yes.
Comment: ACMG classification criteria: PVS1 very strong, PM2 moderate

Labcorp Genetics (formerly Invitae), Labcorp
Classification: Pathogenic. Last evaluated: 2022-03-18. Review status: criteria provided, single submitter. Criteria: Invitae Variant Classification Sherloc (09022015). Collection method: clinical testing. Allele origin: germline.
Comment: This sequence change creates a premature translational stop signal (p.Gln1530*) in the ARID1B gene. It is expected to result in an absent or disrupted protein product. Loss-of-function variants in ARID1B are known to be pathogenic (PMID: 25674384, 30349098). This variant is not present in population databases (gnomAD no frequency). This variant has not been reported in the literature in individuals affected with ARID1B-related conditions. For these reasons, this variant has been classified as Pathogenic.

Literature cited by the submitters: PubMed 25674384 (cited by Labcorp Genetics (formerly Invitae), Labcorp); PubMed 30349098 (cited by Labcorp Genetics (formerly Invitae), Labcorp).